The following is an entry in ClinVar:

NM_199242.3(UNC13D):c.670C>T (p.His224Tyr)

Gene: UNC13D (unc-13 homolog D; minus strand). Cytogenetic location: 17q25.1.
Variant type: single nucleotide variant.
Coding change: c.670C>T on transcript NM_199242.3 (MANE Select); coding-DNA position 670, C replaced by T.
Protein change: p.His224Tyr; replaces histidine 224 with tyrosine.
Molecular consequence: missense variant.
Genome position (GRCh38, 1-based): chr17:75,840,775, G>A on the plus strand (C>T on the coding strand, the complement: UNC13D is on the minus strand). VCF-style: chr17-75840775-G-A. GRCh37 (hg19) VCF-style: chr17-73836856-G-A.
Other names: short protein forms H224Y.
Identifiers: ClinVar variation 464459 (VCV000464459.30), dbSNP rs145607492, ClinGen allele CA8773358.

ClinVar aggregate classification (germline): Uncertain significance. Review status: criteria provided, multiple submitters, no conflicts (2 of 4 stars). 4 submissions from 4 submitters: Uncertain significance (4). Last evaluated 2024-10-14.

Conditions:
Familial hemophagocytic lymphohistiocytosis 3 (FHL3). Also called: UNC13D-Related Familial Hemophagocytic Lymphohistiocytosis (UNC13D-fHLH). Identifiers: Orphanet 540, MedGen C1837174, MONDO:0012146, OMIM 608898.

Allele frequency attached by ClinVar (database versions not stated): gnomAD 0.00014; gnomAD exomes 0.00015 and 0.00017; TOPMed 0.00016; ExAC 0.00020; ESP Exome Variant Server 0.00023.

Submissions (4):

Blueprint Genetics
Classification: Uncertain significance. Last evaluated: 2024-10-14. Review status: criteria provided, single submitter. Criteria: ACMG Guidelines, 2015. Collection method: clinical testing. Allele origin: germline.

CeGaT Center for Human Genetics Tuebingen
Classification: Uncertain significance. Last evaluated: 2024-01-01. Review status: criteria provided, single submitter. Criteria: CeGaT Center For Human Genetics Tuebingen Variant Classification Criteria Version 2. Collection method: clinical testing. Allele origin: germline. Affected: yes. Observed: 1 variant allele.
Comment: UNC13D: PM2, PM3:Supporting, PP4

Labcorp Genetics (formerly Invitae), Labcorp
Classification: Uncertain significance for Familial hemophagocytic lymphohistiocytosis 3. Last evaluated: 2022-10-13. Review status: criteria provided, single submitter. Criteria: Invitae Variant Classification Sherloc (09022015). Collection method: clinical testing. Allele origin: germline.
Comment: This sequence change replaces histidine, which is basic and polar, with tyrosine, which is neutral and polar, at codon 224 of the UNC13D protein (p.His224Tyr). This variant is present in population databases (rs145607492, gnomAD 0.1%). This missense change has been observed in individual(s) with primary immunodeficiency (PMID: 32135276). ClinVar contains an entry for this variant (Variation ID: 464459). Algorithms developed to predict the effect of missense changes on protein structure and function are either unavailable or do not agree on the potential impact of this missense change (SIFT: "Not Available"; PolyPhen-2: "Probably Damaging"; Align-GVGD: "Not Available"). In summary, the available evidence is currently insufficient to determine the role of this variant in disease. Therefore, it has been classified as a Variant of Uncertain Significance.

Fulgent Genetics
Classification: Uncertain significance for Familial hemophagocytic lymphohistiocytosis 3. Last evaluated: 2022-04-26. Review status: criteria provided, single submitter. Criteria: ACMG Guidelines, 2015. Collection method: clinical testing. Allele origin: unknown.

Literature cited by the submitters: PubMed 32135276 (cited by Labcorp Genetics (formerly Invitae), Labcorp).